The following is an entry in ClinVar:

ClinVar aggregate classification (germline): Pathogenic (1 of 4 stars; one submission).

Conditions:
Inborn genetic diseases. Identifiers: MedGen C0950123, MeSH D030342.

Submission:

Ambry Genetics
Classification: Pathogenic for Inborn genetic diseases. Last evaluated: 2022-05-31. Review status: criteria provided, single submitter. Criteria: Ambry Variant Classification Scheme 2023. Collection method: clinical testing. Allele origin: germline.
Comment: The c.2197delC (p.L733Sfs*31) alteration, located in exon 17 (coding exon 16) of the INTS1 gene, consists of a deletion of one nucleotide at position 2197, causing a translational frameshift with a predicted alternate stop codon after 31 amino acids. This alteration is expected to result in loss of function by premature protein truncation or nonsense-mediated mRNA decay. Based on data from gnomAD, this allele has an overall frequency of 0.001% (1/211836) total alleles studied. The highest observed frequency was 0.003% (1/30066) of Latino alleles. Based on the available evidence, this alteration is classified as pathogenic.

NM_001080453.3(INTS1):c.2197del (p.Leu733fs)

Gene: INTS1 (integrator complex subunit 1; minus strand). Cytogenetic location: 7p22.3.
Variant type: Deletion.
Coding change: c.2197del on transcript NM_001080453.3 (MANE Select); coding-DNA position 2197, one base deleted (C; older notation c.2197delC).
Protein change: p.Leu733fs; shifts the reading frame from leucine 733.
Molecular consequence: frameshift variant.
Genome position (GRCh38, 1-based): chr7:1,489,651, G deleted on the plus strand (C on the coding strand, the reverse complement: INTS1 is on the minus strand); the first of 3 consecutive G bases (chr7:1,489,651-1,489,653); deleting any one gives the same sequence. VCF-style (leftmost placement, unchanged base first): chr7-1489650-AG-A. GRCh37 (hg19) VCF-style: chr7-1529286-AG-A.
Other names: short protein forms L733fs.
Identifiers: ClinVar variation 2285823 (VCV002285823.2), dbSNP rs1426643237, ClinGen allele CA572119418.
Genomic context (GRCh38, chr7:1,489,650, plus strand): 5'-CCGATGTTCTCTGGGTTGAATGCGGCGACGACCAGCAGGAGGGGCCAGGCCTTCCAGTAG[AG>A]GGTAGAGATGGCGAGGTTCGGAGGCTGGTACCTGGAAGGCAGGGGCGCCCCGACTCAGGC-3'